The following is an entry in ClinVar:

NM_001099271.2(POC5):c.1118G>C (p.Arg373Thr)

Gene: POC5 (POC5 centriolar protein; minus strand). Cytogenetic location: 5q13.3.
Variant type: single nucleotide variant.
Coding change: c.1118G>C on transcript NM_001099271.2 (MANE Select); coding-DNA position 1118, G replaced by C.
Protein change: p.Arg373Thr; replaces arginine 373 with threonine.
Molecular consequence: missense variant.
Genome position (GRCh38, 1-based): chr5:75,689,023, C>G on the plus strand (G>C on the coding strand, the complement: POC5 is on the minus strand). VCF-style: chr5-75689023-C-G. GRCh37 (hg19) VCF-style: chr5-74984848-C-G.
Other names: c.1043G>C, p.Arg348Thr (NM_152408.3); short protein forms R348T, R373T.
Identifiers: ClinVar variation 1978889 (VCV001978889.4), dbSNP rs2478817175, ClinGen allele CA360145303.

ClinVar aggregate classification (germline): Uncertain significance (1 of 4 stars; one submission).

Allele frequency attached by ClinVar (database versions not stated): gnomAD exomes below 0.00001.
gnomAD v4.1: 1 of 1,562,930 alleles (0.000064%); highest among the groups gnomAD compares: African/African-American, 0.0014%; no homozygotes.

Submission:

Labcorp Genetics (formerly Invitae), Labcorp
Classification: Uncertain significance. Last evaluated: 2022-08-24. Review status: criteria provided, single submitter. Criteria: Invitae Variant Classification Sherloc (09022015). Collection method: clinical testing. Allele origin: germline.
Comment: This sequence change replaces arginine, which is basic and polar, with threonine, which is neutral and polar, at codon 373 of the POC5 protein (p.Arg373Thr). This variant is not present in population databases (gnomAD no frequency). This variant has not been reported in the literature in individuals affected with POC5-related conditions. Algorithms developed to predict the effect of missense changes on protein structure and function are either unavailable or do not agree on the potential impact of this missense change (SIFT: "Not Available"; PolyPhen-2: "Benign"; Align-GVGD: "Not Available"). In summary, the available evidence is currently insufficient to determine the role of this variant in disease. Therefore, it has been classified as a Variant of Uncertain Significance.